The following is an entry in ClinVar:

ClinVar aggregate classification (germline): Likely pathogenic (1 of 4 stars; one submission).

Conditions:
PI4KA-related disorder. Also called: PI4KA-related condition; PI4KA-related disorders. Identifiers: MedGen CN378147, MONDO:1040012.

Submission:

PreventionGenetics, part of Exact Sciences
Classification: Likely pathogenic for PI4KA-related condition. Last evaluated: 2026-07-31. Review status: criteria provided, single submitter. Criteria: ACMG Guidelines, 2015. Collection method: clinical testing. Allele origin: germline.
Comment: The PI4KA c.712delC variant is predicted to result in a frameshift and premature protein termination (p.Leu238Serfs*6). To our knowledge, this variant has not been reported in the literature or in a large population database (gnomAD), indicating this variant is rare. Frameshift variants in PI4KA are expected to be pathogenic. This variant is interpreted as likely pathogenic.

NM_058004.4(PI4KA):c.712del (p.Leu238fs)

Gene: PI4KA (phosphatidylinositol 4-kinase alpha; minus strand). Cytogenetic location: 22q11.21.
Variant type: Deletion.
Coding change: c.712del on transcript NM_058004.4 (MANE Select); coding-DNA position 712, one base deleted (C; older notation c.712delC).
Protein change: p.Leu238fs; shifts the reading frame from leucine 238.
Molecular consequence: frameshift variant.
Genome position (GRCh38, 1-based): chr22:20,819,718, G deleted on the plus strand (C on the coding strand, the reverse complement: PI4KA is on the minus strand); the first of 2 consecutive G bases (chr22:20,819,718-20,819,719); deleting either gives the same sequence. VCF-style (leftmost placement, unchanged base first): chr22-20819717-AG-A. GRCh37 (hg19) VCF-style: chr22-21174005-AG-A.
Other names: c.712del, p.Leu238fs (NM_001362862.2, NM_001362863.2); short protein forms L238fs.
Identifiers: ClinVar variation 3029227 (VCV003029227.3), dbSNP rs2518354417, ClinGen allele CA2577654833.
Genomic context (GRCh38, chr22:20,819,717, plus strand): 5'-ACACTGCTGGTTTTCCTCTTCAGGGTACCCTCCTGACAGACAGTCAGCAGATTGCTGGGG[AG>A]GATGGAGCGGAAGTCATTAAAGGAACGCCTTCGAACACCTTCAAGCTCTTCCAGGACACG-3'